The following is an entry in ClinVar:

NM_003482.4(KMT2D):c.14345T>C (p.Val4782Ala)

Gene: KMT2D (lysine methyltransferase 2D; minus strand). Cytogenetic location: 12q13.12.
Variant type: single nucleotide variant.
Coding change: c.14345T>C on transcript NM_003482.4 (MANE Select); coding-DNA position 14345, T replaced by C.
Protein change: p.Val4782Ala; replaces valine 4782 with alanine.
Molecular consequence: missense variant.
Genome position (GRCh38, 1-based): chr12:49,028,865, A>G on the plus strand (T>C on the coding strand, the complement: KMT2D is on the minus strand). VCF-style: chr12-49028865-A-G. GRCh37 (hg19) VCF-style: chr12-49422648-A-G.
Other names: short protein forms V4782A.
Identifiers: ClinVar variation 2501656 (VCV002501656.1), dbSNP rs1942744311, ClinGen allele CA384695972.

ClinVar aggregate classification (germline): Uncertain significance (1 of 4 stars; one submission).

Submission:

GeneDx
Classification: Uncertain significance. Last evaluated: 2023-05-02. Review status: criteria provided, single submitter. Criteria: GeneDx Variant Classification Process June 2021. Collection method: clinical testing. Allele origin: germline. Affected: yes.
Comment: Has not been previously published as pathogenic or benign to our knowledge; Not observed at significant frequency in large population cohorts (gnomAD); In silico analysis supports that this missense variant has a deleterious effect on protein structure/function